The following is an entry in ClinVar:

ClinVar aggregate classification (germline): Uncertain significance (1 of 4 stars; one submission).

Conditions:
Long QT syndrome (LQTS). Identifiers: MedGen C0023976, MeSH D008133, MONDO:0002442. Disease mechanism: loss of function. Inheritance: Various modes of inheritance.

Submission:

Labcorp Genetics (formerly Invitae), Labcorp
Classification: Uncertain significance for Long QT syndrome. Last evaluated: 2023-08-10. Review status: criteria provided, single submitter. Criteria: Invitae Variant Classification Sherloc (09022015). Collection method: clinical testing. Allele origin: germline.
Comment: This variant is not present in population databases (gnomAD no frequency). This variant has not been reported in the literature in individuals affected with AKAP9-related conditions. This sequence change replaces glutamine, which is neutral and polar, with glutamic acid, which is acidic and polar, at codon 268 of the AKAP9 protein (p.Gln268Glu). ClinVar contains an entry for this variant (Variation ID: 2091098). An algorithm developed to predict the effect of missense changes on protein structure and function (PolyPhen-2) suggests that this variant is likely to be disruptive. In summary, the available evidence is currently insufficient to determine the role of this variant in disease. Therefore, it has been classified as a Variant of Uncertain Significance.

NM_005751.5(AKAP9):c.802C>G (p.Gln268Glu)

Genes: AKAP9 (A-kinase anchoring protein 9; plus strand), LOC129998789 (ATAC-STARR-seq lymphoblastoid silent region 18366; plus strand). Cytogenetic location: 7q21.2.
Variant type: single nucleotide variant.
Coding change: c.802C>G on transcript NM_005751.5 (MANE Select); coding-DNA position 802, C replaced by G.
Protein change: p.Gln268Glu; replaces glutamine 268 with glutamic acid.
Molecular consequence: missense variant.
Genome position (GRCh38, 1-based): chr7:91,995,672, C>G. VCF-style: chr7-91995672-C-G. GRCh37 (hg19) VCF-style: chr7-91624986-C-G.
Other names: c.802C>G, p.Gln268Glu (NM_147185.3); short protein forms Q268E.
Identifiers: ClinVar variation 2091098 (VCV002091098.4), dbSNP rs2484676364, ClinGen allele CA368120248.